The following is an entry in ClinVar:

ClinVar aggregate classification (germline): Likely pathogenic. Review status: criteria provided, multiple submitters, no conflicts (2 of 4 stars). 2 submissions from 2 submitters: Likely pathogenic (2). Last evaluated 2026-02-19.

Conditions:
KRT14-related disorder. Also called: KRT14-related condition.

Submissions (2):

Dasa
Classification: Likely pathogenic. Last evaluated: 2026-02-19. Review status: criteria provided, single submitter. Criteria: DASA Assertion Criteria. Collection method: clinical testing. Allele origin: germline.
Comment: NM_000526.5(KRT14):c.398T>G (p.Val133Gly) is a missense variant that results in the substitution of valine with glycine. The affected residue or protein region has prior evidence supporting clinical relevance. This variant is absent from population databases. Computational evidence supports a deleterious effect. Based on the currently available evidence, this variant is classified as likely pathogenic.

3billion
Classification: Likely pathogenic for KRT14-related disorder. Last evaluated: 2025-10-01. Review status: criteria provided, single submitter. Criteria: ACMG Guidelines, 2015. Collection method: clinical testing. Allele origin: germline. Affected: yes.
Comment: The variant is not observed in the gnomAD v4.1.0 dataset. Predicted Consequence/Location: The variant is located in a mutational hot spot and/or well-established functional domain in which established pathogenic variants have been reported. In silico tool predictions suggest damaging effect of the variant on gene or gene product [REVEL: 0.99 (>=0.6, sensitivity 0.68 and specificity 0.92); 3Cnet: 0.93 (> 0.75, sensitivity 0.96 and precision 0.92)]. Different missense changes at the same codon (p.Val133Ala, p.Val133Leu, p.Val133Met) have been reported as pathogenic/likely pathogenic with strong evidence (ClinVar ID: VCV000066356, VCV000066358 /PMID: 14987259, 15827748, 17039244). Therefore, this variant is classified as Likely pathogenic according to the recommendation of ACMG/AMP guideline.

Literature cited by the submitters: PubMed 14987259 (cited by 3billion).

NM_000526.5(KRT14):c.398T>G (p.Val133Gly)

Gene: KRT14 (keratin 14; minus strand). Cytogenetic location: 17q21.2.
Variant type: single nucleotide variant.
Coding change: c.398T>G on transcript NM_000526.5 (MANE Select); coding-DNA position 398, T replaced by G.
Protein change: p.Val133Gly; replaces valine 133 with glycine.
Molecular consequence: missense variant.
Genome position (GRCh38, 1-based): chr17:41,586,437, A>C on the plus strand (T>G on the coding strand, the complement: KRT14 is on the minus strand). VCF-style: chr17-41586437-A-C. GRCh37 (hg19) VCF-style: chr17-39742689-A-C.
Other names: short protein forms V133G.
Identifiers: ClinVar variation 4855641 (VCV004855641.3).